The following is an entry in ClinVar:

NM_201253.3(CRB1):c.2991del (p.Glu997fs)

Gene: CRB1 (crumbs cell polarity complex component 1; plus strand). Cytogenetic location: 1q31.3.
Variant type: Deletion.
Coding change: c.2991del on transcript NM_201253.3 (MANE Select); coding-DNA position 2991, one base deleted (A; older notation c.2991delA).
Protein change: p.Glu997fs; shifts the reading frame from glutamic acid 997.
Molecular consequence: frameshift variant. On other transcripts: non-coding transcript variant (2), intron variant (1).
Genome position (GRCh38, 1-based): chr1:197,434,854, A deleted; the last of 2 consecutive A bases (chr1:197,434,853-197,434,854); deleting either gives the same sequence. VCF-style (leftmost placement, unchanged base first): chr1-197434852-GA-G. GRCh37 (hg19) VCF-style: chr1-197403982-GA-G.
Other names: c.2655del, p.Glu885fs (NM_001193640.2); c.2919del, p.Glu973fs (NM_001257965.2); c.2129-746del (NM_001257966.2); short protein forms E885fs, E973fs, E997fs.
Identifiers: ClinVar variation 4817058 (VCV004817058.1).

ClinVar aggregate classification (germline): Likely pathogenic (1 of 4 stars; one submission).

Conditions:
Leber congenital amaurosis (LCA). Also called: Leber's amaurosis. Identifiers: Orphanet 65, MedGen C0339527, MeSH D057130, MONDO:0018998.

Submission:

Natera, Inc.
Classification: Likely pathogenic for Leber congenital amaurosis. Last evaluated: 2025-12-04. Review status: criteria provided, single submitter. Criteria: Natera Variant Classification Schema (03/2026). Collection method: clinical testing. Allele origin: germline.
Comment: The c.2991del variant in CRB1 is a frameshift variant predicted to shift the reading frame beginning at codon 997 and leads to a stop codon 25 codons downstream. This variant is expected to result in nonsense mediated decay, truncation, or a dysfunctional protein product. This variant is rare in the general population with a frequency below the threshold expected for the associated phenotype(s). Given the available evidence, this variant is classified as Likely Pathogenic.